The following is an entry in ClinVar:

ClinVar aggregate classification (germline): Uncertain significance (1 of 4 stars; one submission).

gnomAD v4.1: 1 of 1,573,666 alleles (0.000064%); highest among the groups gnomAD compares: Non-Finnish European, 0.000087%; no homozygotes.

Submission:

Ambry Genetics
Classification: Uncertain significance. Last evaluated: 2025-05-24. Review status: criteria provided, single submitter. Criteria: Ambry Variant Classification Scheme 2023. Collection method: clinical testing. Allele origin: germline.
Comment: The p.I1126V variant (also known as c.3376A>G) is located in coding exon 30 of the KIF1B gene. The isoleucine at codon 1126 is replaced by valine, an amino acid with highly similar properties. This change occurs in the first base pair of coding exon 30. This amino acid position is conserved. In addition, this alteration is predicted to be tolerated by in silico analysis. Based on the available evidence, the clinical significance of this variant remains unclear.

NM_001365951.3(KIF1B):c.3514A>G (p.Ile1172Val)

Gene: KIF1B (kinesin family member 1B; plus strand). Cytogenetic location: 1p36.22.
Variant type: single nucleotide variant.
Coding change: c.3514A>G on transcript NM_001365951.3 (MANE Select); coding-DNA position 3514, A replaced by G.
Protein change: p.Ile1172Val; replaces isoleucine 1172 with valine.
Molecular consequence: missense variant.
Genome position (GRCh38, 1-based): chr1:10,342,050, A>G. VCF-style: chr1-10342050-A-G. GRCh37 (hg19) VCF-style: chr1-10402108-A-G.
Other names: c.3514A>G, p.Ile1172Val (NM_001365952.1); c.3376A>G, p.Ile1126Val (NM_015074.3); short protein forms I1126V, I1172V.
Identifiers: ClinVar variation 4043149 (VCV004043149.1).
Genomic context (GRCh38, chr1:10,342,050, plus strand): 5'-CTGATTGAAGCAAAAATGTGTATTTTCTTGTAATCTTTTCCTAATCTTGCTTGGCTTTAG[A>G]TTGCAGTGGAGATCACTGAATCATTTGTGGATTACATCAAAACCAAGCCTATTGTATTTG-3'
Protein context (NP_001352880.1, residues 1162-1182): SPLAFYHVQN[Ile1172Val]AVEITESFVD